The following is an entry in ClinVar:

NM_001844.5(COL2A1):c.3968dup (p.Cys1323fs)

Gene: COL2A1 (collagen type II alpha 1 chain; minus strand). Cytogenetic location: 12q13.11.
Variant type: Duplication.
Coding change: c.3968dup on transcript NM_001844.5 (MANE Select); coding-DNA position 3968, one base duplicated (G; older notation c.3968dupG).
Protein change: p.Cys1323fs; shifts the reading frame from cysteine 1323.
Molecular consequence: frameshift variant.
Genome position (GRCh38, 1-based): chr12:47,974,781, C duplicated on the plus strand (G on the coding strand, the reverse complement: COL2A1 is on the minus strand). VCF-style (leftmost placement, unchanged base first): chr12-47974780-G-GC. GRCh37 (hg19) VCF-style: chr12-48368563-G-GC.
Other names: c.3761dup, p.Cys1254fs (NM_033150.3); short protein forms C1254fs, C1323fs.
Identifiers: ClinVar variation 2854001 (VCV002854001.3), dbSNP rs2540097499, ClinGen allele CA2739271940.

ClinVar aggregate classification (germline): Pathogenic (1 of 4 stars; one submission).

Submission:

Labcorp Genetics (formerly Invitae), Labcorp
Classification: Pathogenic. Last evaluated: 2023-04-09. Review status: criteria provided, single submitter. Criteria: Invitae Variant Classification Sherloc (09022015). Collection method: clinical testing. Allele origin: germline.
Comment: For these reasons, this variant has been classified as Pathogenic. This variant has not been reported in the literature in individuals affected with COL2A1-related conditions. This variant is not present in population databases (gnomAD no frequency). This sequence change creates a premature translational stop signal (p.Cys1323Trpfs*42) in the COL2A1 gene. It is expected to result in an absent or disrupted protein product. Loss-of-function variants in COL2A1 are known to be pathogenic (PMID: 20179744).

Literature cited by the submitters: PubMed 20179744.